The following is an entry in ClinVar:

NM_001369268.1(ACAN):c.1526_1529del (p.Ser509fs)

Gene: ACAN (aggrecan; plus strand). Cytogenetic location: 15q26.1.
Variant type: Deletion.
Coding change: c.1526_1529del on transcript NM_001369268.1 (MANE Select); coding-DNA positions 1526 to 1529, 4 bases deleted (CGCC; older notation c.1526_1529delCGCC).
Protein change: p.Ser509fs; shifts the reading frame from serine 509.
Molecular consequence: frameshift variant.
Genome position (GRCh38, 1-based): chr15:88,847,339-88,847,342, CGCC deleted. VCF-style (leftmost placement, unchanged base first): chr15-88847338-TCGCC-T. GRCh37 (hg19) VCF-style: chr15-89390569-TCGCC-T.
Other names: c.1526_1529del, p.Ser509fs (NM_001135.4, NM_001411096.1, NM_001411097.1 and 1 more transcripts); c.1526_1529delCGCC (NM_013227.3); short protein forms S509fs.
Identifiers: ClinVar variation 3724813 (VCV003724813.3).

ClinVar aggregate classification (germline): Pathogenic. Review status: criteria provided, multiple submitters, no conflicts (2 of 4 stars). 2 submissions from 2 submitters: Pathogenic (2). Last evaluated 2025-05-16.

Conditions:
Inborn genetic diseases. Identifiers: MedGen C0950123, MeSH D030342.

Submissions (2):

Ambry Genetics
Classification: Pathogenic for Inborn genetic diseases. Last evaluated: 2025-05-16. Review status: criteria provided, single submitter. Criteria: Ambry Variant Classification Scheme 2023. Collection method: clinical testing. Allele origin: germline.
Comment: The c.1526_1529delCGCC (p.S509Wfs*30) alteration, located in exon 8 (coding exon 7) of the ACAN gene, consists of a deletion of 4 nucleotides from position 1526 to 1529, causing a translational frameshift with a predicted alternate stop codon after 30 amino acids. This alteration is expected to result in loss of function by premature protein truncation or nonsense-mediated mRNA decay. This variant was not reported in population-based cohorts in the Genome Aggregation Database (gnomAD). Based on the available evidence, this alteration is classified as pathogenic.

Labcorp Genetics (formerly Invitae), Labcorp
Classification: Pathogenic. Last evaluated: 2024-11-07. Review status: criteria provided, single submitter. Criteria: Invitae Variant Classification Sherloc (09022015). Collection method: clinical testing. Allele origin: germline.
Comment: This sequence change creates a premature translational stop signal (p.Ser509Trpfs*30) in the ACAN gene. It is expected to result in an absent or disrupted protein product. Loss-of-function variants in ACAN are known to be pathogenic (PMID: 16080123, 24762113). This variant is not present in population databases (gnomAD no frequency). This variant has not been reported in the literature in individuals affected with ACAN-related conditions. For these reasons, this variant has been classified as Pathogenic.

Literature cited by the submitters: PubMed 16080123 (cited by Labcorp Genetics (formerly Invitae), Labcorp); PubMed 24762113 (cited by Labcorp Genetics (formerly Invitae), Labcorp).